The following is an entry in ClinVar:

ClinVar aggregate classification (germline): Benign/Likely benign. Review status: criteria provided, multiple submitters, no conflicts (2 of 4 stars). 3 submissions from 3 submitters: Benign (1); Likely benign (2). Last evaluated 2025-06-03.

Conditions:
Familial cancer of breast. Also called: BREAST CANCER, FAMILIAL; hereditary breast carcinoma; Hereditary breast cancer. Identifiers: Orphanet 227535, MedGen C0346153, MONDO:0016419, OMIM 114480. Disease mechanism: loss of function.
Hereditary cancer-predisposing syndrome. Also called: Tumor predisposition; Hereditary neoplastic syndrome; Neoplastic Syndromes, Hereditary; Hereditary Cancer Syndrome. Identifiers: Orphanet 140162, MedGen C0027672, MeSH D009386, MONDO:0015356.

gnomAD v4.1: 1 of 1,614,082 alleles (0.000062%); highest among the groups gnomAD compares: African/African-American, 0.0013%; no homozygotes.

Submissions (3):

Labcorp Genetics (formerly Invitae), Labcorp
Classification: Likely benign for Familial cancer of breast. Last evaluated: 2025-06-03. Review status: criteria provided, single submitter. Criteria: Invitae Variant Classification Sherloc (09022015). Collection method: clinical testing. Allele origin: germline.

Myriad Genetics, Inc.
Classification: Benign for Familial cancer of breast. Last evaluated: 2025-01-15. Review status: criteria provided, single submitter. Criteria: Myriad Autosomal Dominant, Autosomal Recessive and X-Linked Classification Criteria (2023). Collection method: clinical testing. Allele origin: unknown.
Comment: This variant is considered benign. This variant is a silent/synonymous amino acid change and it is not expected to impact splicing.

Ambry Genetics
Classification: Likely benign for Hereditary cancer-predisposing syndrome. Last evaluated: 2021-12-30. Review status: criteria provided, single submitter. Criteria: Ambry Variant Classification Scheme 2023. Collection method: clinical testing. Allele origin: germline.

NM_024675.4(PALB2):c.2208C>T (p.Ala736=)

Gene: PALB2 (partner and localizer of BRCA2; minus strand). Cytogenetic location: 16p12.2.
Variant type: single nucleotide variant.
Coding change: c.2208C>T on transcript NM_024675.4 (MANE Select); coding-DNA position 2208, C replaced by T.
Protein change: p.Ala736=; no amino-acid change (alanine 736 retained).
Molecular consequence: synonymous variant.
Genome position (GRCh38, 1-based): chr16:23,629,946, G>A on the plus strand (C>T on the coding strand, the complement: PALB2 is on the minus strand). VCF-style: chr16-23629946-G-A. GRCh37 (hg19) VCF-style: chr16-23641267-G-A.
Identifiers: ClinVar variation 751185 (VCV000751185.13), dbSNP rs369113809, ClinGen allele CA494461073.